The following is an entry in ClinVar:

NM_018006.5(TRMU):c.2T>G (p.Met1Arg)

Gene: TRMU (tRNA mitochondrial 2-thiouridylase; plus strand). Cytogenetic location: 22q13.31.
Variant type: single nucleotide variant.
Coding change: c.2T>G on transcript NM_018006.5 (MANE Select); coding-DNA position 2, T replaced by G.
Protein change: p.Met1Arg; changes the start codon (methionine 1).
Molecular consequence: missense variant, initiator codon variant. On other transcripts: 5 prime UTR variant (3), non-coding transcript variant (2).
Genome position (GRCh38, 1-based): chr22:46,335,766, T>G. VCF-style: chr22-46335766-T-G. GRCh37 (hg19) VCF-style: chr22-46731663-T-G.
Other names: p.M1?:ATG>AGG; c.-234T>G (NM_001282782.2); c.-253T>G (NM_001282783.2, NM_001282784.2); c.2T>G, p.Met1Arg (NM_001282785.2); short protein forms M1R.
Identifiers: ClinVar variation 215292 (VCV000215292.13), dbSNP rs118203992, ClinGen allele CA323417.
Genomic context (GRCh38, chr22:46,335,766, plus strand): 5'-CTTCCGGCAAGGCGCGGAAGCGGCGGTAGCTGCAGCTGGCGAAGTTGGGCGACTGGCGGA[T>G]GCAGGCCTTGCGGCACGTCGTGTGCGCCCTGTCCGGCGGCGTGGACAGCGCCGTGGCCGC-3'
Protein context (NP_060476.2, residues 1-11): [Met1Arg]QALRHVVCAL

ClinVar aggregate classification (germline): Pathogenic/Likely pathogenic. Review status: criteria provided, multiple submitters, no conflicts (2 of 4 stars). 6 submissions from 6 submitters: Pathogenic (2); Likely pathogenic (4). Last evaluated 2025-08-05.

Conditions:
TRMU-related disorder. Also called: TRMU-related condition.
Acute infantile liver failure due to synthesis defect of mtDNA-encoded proteins. Also called: LIVER FAILURE, INFANTILE, TRANSIENT; Liver failure acute infantile; TRMU Deficiency. Identifiers: Orphanet 217371, MedGen C3278664, MONDO:0013111, OMIM 613070.
Aminoglycoside-induced deafness. Also called: DEAFNESS, STREPTOMYCIN-INDUCED; STREPTOMYCIN OTOTOXICITY; MT-RNR1-Related Hearing Loss and Deafness. Identifiers: Orphanet 168609, MedGen C1838854, MONDO:0010799, OMIM 580000.

Allele frequency attached by ClinVar (database versions not stated): gnomAD exomes 0.00001; TOPMed 0.00002.

Submissions (6):

Natera, Inc.
Classification: Likely pathogenic for Acute infantile liver failure due to synthesis defect of mtDNA-encoded proteins. Last evaluated: 2025-08-05. Review status: criteria provided, single submitter. Criteria: Natera Variant Classification Schema (03/2026). Collection method: clinical testing. Allele origin: germline.
Comment: The c.2T>G variant in TRMU is predicted to result in start loss due to disruption of the initiator methionine. This variant is expected to result in nonsense mediated decay, truncation, or a dysfunctional protein product. This variant is rare in the general population with a frequency below the threshold expected for the associated phenotype(s). Given the available evidence, this variant is classified as Likely Pathogenic.

Women's Health and Genetics/Laboratory Corporation of America, LabCorp
Classification: Likely pathogenic for Acute infantile liver failure due to synthesis defect of mtDNA-encoded proteins. Last evaluated: 2025-04-17. Review status: criteria provided, single submitter. Criteria: LabCorp Variant Classification Summary - May 2015. Collection method: clinical testing. Allele origin: germline.
Comment: Variant summary: TRMU c.2T>G (p.Met1Arg) alters the initiation codon and is predicted to result either in absence of the protein or truncation of the encoded protein due to translation initiation at a downstream codon. The next in-frame methionine is located at codon 36 and to our knowledge, no pathogenic or likely pathogenic variants upstream of this alternate translation codon have been reported. However, at-least two other pathogenic/likely pathogenic variants impacting the same initiation codon, c.2T>A and c.2T>C have been reported in infants affected with Acute Infantile Liver Failure (PMID 33365252 and 31395954). Four of four in-silico tools predict a damaging effect of the variant on protein function. The variant allele was found at a frequency of 6.9e-06 in 145610 control chromosomes. To our knowledge, no occurrence of c.2T>G in individuals affected with Liver Failure Acute Infantile, Transient and no experimental evidence demonstrating its impact on protein function have been reported. ClinVar contains an entry for this variant (Variation ID: 215292). Based on the evidence outlined above, the variant was classified as likely pathogenic.

Fulgent Genetics
Classification: Likely pathogenic for Aminoglycoside-induced deafness; Acute infantile liver failure due to synthesis defect of mtDNA-encoded proteins. Last evaluated: 2024-06-03. Review status: criteria provided, single submitter. Criteria: ACMG Guidelines, 2015. Collection method: clinical testing. Allele origin: germline.

GeneDx
Classification: Pathogenic. Last evaluated: 2024-01-11. Review status: criteria provided, single submitter. Criteria: GeneDx Variant Classification Process June 2021. Collection method: clinical testing. Allele origin: germline. Affected: yes.
Comment: Initiation codon variant in a gene for which loss of function is a known mechanism of disease; Not observed at significant frequency in large population cohorts (gnomAD); Has not been previously published as pathogenic or benign to our knowledge

Labcorp Genetics (formerly Invitae), Labcorp
Classification: Likely pathogenic. Last evaluated: 2023-03-18. Review status: criteria provided, single submitter. Criteria: Invitae Variant Classification Sherloc (09022015). Collection method: clinical testing. Allele origin: germline.
Comment: In summary, the currently available evidence indicates that the variant is pathogenic, but additional data are needed to prove that conclusively. Therefore, this variant has been classified as Likely Pathogenic. This sequence change affects the initiator methionine of the TRMU mRNA. The next in-frame methionine is located at codon 36. This variant is present in population databases (no rsID available, gnomAD 0.002%). Disruption of the initiator codon has been observed in individuals with acute infantile liver failure (PMID: 19732863, 33365252). ClinVar contains an entry for this variant (Variation ID: 215292). Experimental studies and prediction algorithms are not available or were not evaluated, and the functional significance of this variant is currently unknown.

Blueprint Genetics
Classification: Pathogenic for TRMU-related disorders. Last evaluated: 2021-04-06. Review status: criteria provided, single submitter. Criteria: ACMG Guidelines, 2015. Collection method: clinical testing. Allele origin: germline. Affected: yes. Observed: 2 variant alleles.

Literature cited by the submitters: PubMed 19732863 (cited by Labcorp Genetics (formerly Invitae), Labcorp); PubMed 33365252 (cited by Labcorp Genetics (formerly Invitae), Labcorp).